The following is an entry in ClinVar:

NM_033026.6(PCLO):c.9097+2T>A

Gene: PCLO (piccolo presynaptic cytomatrix protein; minus strand). Cytogenetic location: 7q21.11.
Variant type: single nucleotide variant.
Coding change: c.9097+2T>A on transcript NM_033026.6 (MANE Select); the canonical splice donor site of the intron after coding-DNA position 9097, T replaced by A.
Molecular consequence: splice donor variant.
Genome position (GRCh38, 1-based): chr7:82,951,854, A>T on the plus strand (T>A on the coding strand, the complement: PCLO is on the minus strand). VCF-style: chr7-82951854-A-T. GRCh37 (hg19) VCF-style: chr7-82581170-A-T.
Other names: c.9097+2T>A (NM_014510.3).
Identifiers: ClinVar variation 4736158 (VCV004736158.1).

ClinVar aggregate classification (germline): Likely pathogenic (1 of 4 stars; one submission).

Submission:

Labcorp Genetics (formerly Invitae), Labcorp
Classification: Likely pathogenic. Last evaluated: 2026-01-28. Review status: criteria provided, single submitter. Criteria: Invitae Variant Classification Sherloc (09022015). Collection method: clinical testing. Allele origin: germline.
Comment: This sequence change affects a donor splice site in intron 5 of the PCLO gene. It is expected to disrupt RNA splicing. Variants that disrupt the donor or acceptor splice site typically lead to a loss of protein function (PMID: 16199547), and loss-of-function variants in PCLO are known to be pathogenic (PMID: 25832664, 30287594). This variant is not present in population databases (gnomAD no frequency). This variant has not been reported in the literature in individuals affected with PCLO-related conditions. Algorithms developed to predict the effect of sequence changes on RNA splicing suggest that this variant may disrupt the consensus splice site. In summary, the currently available evidence indicates that the variant is pathogenic, but additional data are needed to prove that conclusively. Therefore, this variant has been classified as Likely Pathogenic.

Literature cited by the submitters: PubMed 16199547; PubMed 25832664; PubMed 30287594.